The following is an entry in ClinVar:

ClinVar aggregate classification (germline): Likely benign. Review status: criteria provided, multiple submitters, no conflicts (2 of 4 stars). 2 submissions from 2 submitters: Likely benign (2). Last evaluated 2023-01-05.

Allele frequency attached by ClinVar (database versions not stated): gnomAD 0.00001; gnomAD exomes 0.00001.
gnomAD v4.1: 7 of 1,602,510 alleles (0.00044%); highest among the groups gnomAD compares: Non-Finnish European, 0.0006%; no homozygotes.

Submissions (2):

Labcorp Genetics (formerly Invitae), Labcorp
Classification: Likely benign. Last evaluated: 2023-01-05. Review status: criteria provided, single submitter. Criteria: Invitae Variant Classification Sherloc (09022015). Collection method: clinical testing. Allele origin: germline.

GeneDx
Classification: Likely benign. Last evaluated: 2016-07-27. Review status: criteria provided, single submitter. Criteria: GeneDx Variant Classification (06012015). Collection method: clinical testing. Allele origin: germline. Affected: yes.
Comment: This variant is considered likely benign or benign based on one or more of the following criteria: it is a conservative change, it occurs at a poorly conserved position in the protein, it is predicted to be benign by multiple in silico algorithms, and/or has population frequency not consistent with disease.

NM_000443.4(ABCB4):c.1230+15A>G

Gene: ABCB4 (ATP binding cassette subfamily B member 4; minus strand). Cytogenetic location: 7q21.12.
Variant type: single nucleotide variant.
Coding change: c.1230+15A>G on transcript NM_000443.4 (MANE Select); 15 bases into the intron after coding-DNA position 1230, A replaced by G.
Molecular consequence: intron variant.
Genome position (GRCh38, 1-based): chr7:87,443,648, T>C on the plus strand (A>G on the coding strand, the complement: ABCB4 is on the minus strand). VCF-style: chr7-87443648-T-C. GRCh37 (hg19) VCF-style: chr7-87072964-T-C.
Other names: c.1230+15A>G (NM_018850.3, NM_018849.3).
Identifiers: ClinVar variation 387641 (VCV000387641.4), dbSNP rs1057522852, ClinGen allele CA16605294.